The following is an entry in ClinVar:

ClinVar aggregate classification (germline): Uncertain significance (1 of 4 stars; one submission).

Submission:

Labcorp Genetics (formerly Invitae), Labcorp
Classification: Uncertain significance. Last evaluated: 2024-04-06. Review status: criteria provided, single submitter. Criteria: Invitae Variant Classification Sherloc (09022015). Collection method: clinical testing. Allele origin: germline.
Comment: This sequence change replaces glycine, which is neutral and non-polar, with arginine, which is basic and polar, at codon 85 of the LZTR1 protein (p.Gly85Arg). This variant is not present in population databases (gnomAD no frequency). This variant has not been reported in the literature in individuals affected with LZTR1-related conditions. ClinVar contains an entry for this variant (Variation ID: 1987706). Advanced modeling of protein sequence and biophysical properties (such as structural, functional, and spatial information, amino acid conservation, physicochemical variation, residue mobility, and thermodynamic stability) performed at Invitae indicates that this missense variant is not expected to disrupt LZTR1 protein function with a negative predictive value of 80%. In summary, the available evidence is currently insufficient to determine the role of this variant in disease. Therefore, it has been classified as a Variant of Uncertain Significance.

NM_006767.4(LZTR1):c.253G>A (p.Gly85Arg)

Gene: LZTR1 (leucine zipper like post translational regulator 1; plus strand). Cytogenetic location: 22q11.21.
Variant type: single nucleotide variant.
Coding change: c.253G>A on transcript NM_006767.4 (MANE Select); coding-DNA position 253, G replaced by A.
Protein change: p.Gly85Arg; replaces glycine 85 with arginine.
Molecular consequence: missense variant.
Genome position (GRCh38, 1-based): chr22:20,983,079, G>A. VCF-style: chr22-20983079-G-A. GRCh37 (hg19) VCF-style: chr22-21337368-G-A.
Other names: short protein forms G85R.
Identifiers: ClinVar variation 1987706 (VCV001987706.4), dbSNP rs773915351, ClinGen allele CA410778411.